The following is an entry in ClinVar:

ClinVar aggregate classification (germline): Benign. Review status: criteria provided, multiple submitters, no conflicts (2 of 4 stars). 3 submissions from 3 submitters: Benign (3). Last evaluated 2024-07-15.

Allele frequency attached by ClinVar (database versions not stated): 1000 Genomes Project 30x 0.56730; TOPMed 0.57113; 1000 Genomes Project 0.57468; gnomAD 0.58335 and 0.58727; gnomAD exomes 0.65132.
gnomAD v4.1: 807,659 of 1,254,882 alleles (64%); highest among the groups gnomAD compares: East Asian, 77%; 264,075 homozygotes.

Submissions (3):

Unidad de Genómica Garrahan, Hospital de Pediatría Garrahan
Classification: Benign. Last evaluated: 2024-07-15. Review status: criteria provided, single submitter. Criteria: ACMG Guidelines, 2015. Collection method: clinical testing. Allele origin: germline. Affected: no. Observed: 77 variant alleles.
Comment: This variant is classified as Benign based on local population frequency. This variant was detected in 83% of patients studied in a panel designed for Epileptic and Developmental Encephalopathy and Progressive Myoclonus Epilepsy. Number of patients: 77. Only high quality variants are reported.

GeneDx
Classification: Benign. Last evaluated: 2021-03-08. Review status: criteria provided, single submitter. Criteria: GeneDx Variant Classification Process June 2021. Collection method: clinical testing. Allele origin: germline. Affected: yes.

Breakthrough Genomics
Classification: Benign. Review status: criteria provided, single submitter. Criteria: ACMG Guidelines, 2015. Collection method: not provided. Allele origin: germline. Inheritance: Autosomal recessive inheritance. Affected: yes.

NM_001367561.1(DOCK7):c.733-64G>T

Gene: DOCK7 (dedicator of cytokinesis 7; minus strand). Cytogenetic location: 1p31.3.
Variant type: single nucleotide variant.
Coding change: c.733-64G>T on transcript NM_001367561.1 (MANE Select); 64 bases into the intron before coding-DNA position 733, G replaced by T.
Molecular consequence: intron variant.
Genome position (GRCh38, 1-based): chr1:62,647,840, C>A on the plus strand (G>T on the coding strand, the complement: DOCK7 is on the minus strand). VCF-style: chr1-62647840-C-A. GRCh37 (hg19) VCF-style: chr1-63113511-C-A.
Other names: c.733-64G>T (NM_001272001.2, NM_001272000.2, NM_033407.4 and 3 more transcripts).
Identifiers: ClinVar variation 1265549 (VCV001265549.5), dbSNP rs746735, ClinGen allele CA16055344.